The following is an entry in ClinVar:

NM_004278.4(PIGL):c.694T>C (p.Trp232Arg)

Gene: PIGL (phosphatidylinositol glycan anchor biosynthesis class L; plus strand). Cytogenetic location: 17p11.2.
Variant type: single nucleotide variant.
Coding change: c.694T>C on transcript NM_004278.4 (MANE Select); coding-DNA position 694, T replaced by C.
Protein change: p.Trp232Arg; replaces tryptophan 232 with arginine.
Molecular consequence: missense variant.
Genome position (GRCh38, 1-based): chr17:16,325,833, T>C. VCF-style: chr17-16325833-T-C. GRCh37 (hg19) VCF-style: chr17-16229147-T-C.
Other names: short protein forms W232R.
Identifiers: ClinVar variation 933635 (VCV000933635.4), dbSNP rs772604107, ClinGen allele CA8410036.

ClinVar aggregate classification (germline): Uncertain significance (1 of 4 stars; one submission).

Allele frequency attached by ClinVar (database versions not stated): TOPMed below 0.00001; gnomAD exomes 0.00001 and 0.00002; ExAC 0.00002; gnomAD 0.00002 and 0.00003.
gnomAD v4.1: 9 of 1,613,938 alleles (0.00056%); highest among the groups gnomAD compares: Admixed American, 0.01%; no homozygotes.

Submission:

Labcorp Genetics (formerly Invitae), Labcorp
Classification: Uncertain significance. Last evaluated: 2021-09-02. Review status: criteria provided, single submitter. Criteria: Invitae Variant Classification Sherloc (09022015). Collection method: clinical testing. Allele origin: germline.
Comment: This sequence change replaces tryptophan with arginine at codon 232 of the PIGL protein (p.Trp232Arg). The tryptophan residue is highly conserved and there is a moderate physicochemical difference between tryptophan and arginine. This variant is present in population databases (rs772604107, ExAC 0.006%). This variant has not been reported in the literature in individuals affected with PIGL-related conditions. Algorithms developed to predict the effect of missense changes on protein structure and function are either unavailable or do not agree on the potential impact of this missense change (SIFT: "Deleterious"; PolyPhen-2: "Probably Damaging"; Align-GVGD: "Class C0"). In summary, the available evidence is currently insufficient to determine the role of this variant in disease. Therefore, it has been classified as a Variant of Uncertain Significance.